The following is an entry in ClinVar:

ClinVar aggregate classification (germline): Pathogenic/Likely pathogenic. Review status: criteria provided, multiple submitters, no conflicts (2 of 4 stars). 6 submissions from 6 submitters: Pathogenic (5); Likely pathogenic (1). Last evaluated 2026-04-29.

Conditions:
SLC5A2-related disorder. Also called: SLC5A2-related condition.
Familial renal glucosuria (GLYS). Also called: RENAL GLUCOSURIA, AUTOSOMAL DOMINANT; Familial renal glycosuria. Identifiers: Orphanet 69076, MedGen C3245525, MONDO:0009297, OMIM 233100.

Allele frequency attached by ClinVar (database versions not stated): TOPMed 0.00005; ExAC 0.00007; gnomAD exomes 0.00008; gnomAD 0.00009; ESP Exome Variant Server 0.00016.

Submissions (7):

PreventionGenetics, part of Exact Sciences
Classification: Pathogenic for SLC5A2-related condition. Last evaluated: 2026-04-29. Review status: criteria provided, single submitter. Criteria: ACMG Guidelines, 2015. Collection method: clinical testing. Allele origin: germline.
Comment: The SLC5A2 c.506delC variant is predicted to result in a frameshift and premature protein termination (p.Ala169Valfs*18). This variant was reported in the heterozygous state in two individuals with renal glucosuria from a single family, with a third family member with this variant having normal glucose excretion (Family 10, Santer et al. 2003. PubMed ID: 14569097). This variant is reported in 0.010% of alleles in individuals of European (Non-Finnish) descent in gnomAD. Frameshift variants in SLC5A2 are expected to be pathogenic. This variant is interpreted as pathogenic.

First Genomix Gene Laboratory, Genetic Diagnostics Department
Classification: Pathogenic for Familial renal glucosuria. Last evaluated: 2025-06-19. Review status: criteria provided, single submitter. Criteria: ACMG Guidelines, 2015. Collection method: clinical testing. Allele origin: germline. Inheritance: Autosomal recessive inheritance. Affected: no. Observed: 1 variant allele.

CeGaT Center for Human Genetics Tuebingen
Classification: Pathogenic. Last evaluated: 2024-07-01. Review status: criteria provided, single submitter. Criteria: CeGaT Center For Human Genetics Tuebingen Variant Classification Criteria Version 2. Collection method: clinical testing. Allele origin: germline. Affected: yes. Observed: 1 variant allele.
Comment: SLC5A2: PVS1, PM2:Supporting, PS4:Supporting

Fulgent Genetics
Classification: Pathogenic for Familial renal glucosuria. Last evaluated: 2024-05-16. Review status: criteria provided, single submitter. Criteria: ACMG Guidelines, 2015. Collection method: clinical testing. Allele origin: germline.

Blueprint Genetics
Classification: Pathogenic for SLC5A2-related disorders. Last evaluated: 2023-11-22. Review status: criteria provided, single submitter. Criteria: ACMG Guidelines, 2015. Collection method: clinical testing. Allele origin: germline. Affected: yes. Observed: 3 variant alleles.

Department of Pathology and Laboratory Medicine, Sinai Health System
Classification: Likely pathogenic for Familial renal glucosuria. Last evaluated: 2021-11-12. Review status: criteria provided, single submitter. Criteria: ACMG Guidelines, 2015. Collection method: research. Allele origin: germline.

Dr. Peter K. Rogan Lab, Western University
No classification provided (evidence only). Condition: Gastric cancer. Review status: no classification provided. Collection method: in vitro. Allele origin: not applicable. Functional consequence: retained intron. Not counted in ClinVar's aggregate classification.

NM_003041.4(SLC5A2):c.506del (p.Ala169fs)

Gene: SLC5A2 (solute carrier family 5 member 2; plus strand). Cytogenetic location: 16p11.2.
Variant type: Deletion.
Coding change: c.506del on transcript NM_003041.4 (MANE Select); coding-DNA position 506, one base deleted (C; older notation c.506delC).
Protein change: p.Ala169fs; shifts the reading frame from alanine 169.
Molecular consequence: frameshift variant. On other transcripts: non-coding transcript variant (1).
Genome position (GRCh38, 1-based): chr16:31,486,207, C deleted. VCF-style (leftmost placement, unchanged base first): chr16-31486206-GC-G. GRCh37 (hg19) VCF-style: chr16-31497527-GC-G.
Other names: NC_000016.9:g.31497528del; c.506delC (NM_003041.4); short protein forms A169fs.
Identifiers: ClinVar variation 2635987 (VCV002635987.23), dbSNP rs768095044, ClinGen allele CA8030769.